The following is an entry in ClinVar:

ClinVar aggregate classification (germline): other (0 of 4 stars; one submission).

Conditions:
Familial colorectal cancer. Identifiers: MedGen CN280943, MONDO:0023113. Disease mechanism: loss of function.

Submission:

Systems Biology Platform Zhejiang California International NanoSystems Institute
Classification: other for Familial colorectal cancer. Review status: no assertion criteria provided. Collection method: not provided. Allele origin: unknown.
ClinVar note: Converted during submission from cancer to other.

NM_000038.6(APC):c.730-565G>T

Gene: APC (APC regulator of WNT signaling pathway; plus strand). Cytogenetic location: 5q22.2.
Variant type: single nucleotide variant.
Coding change: c.730-565G>T on transcript NM_000038.6 (MANE Select); 565 bases into the intron before coding-DNA position 730, G replaced by T.
Molecular consequence: intron variant.
Genome position (GRCh38, 1-based): chr5:112,800,714, G>T. VCF-style: chr5-112800714-G-T. GRCh37 (hg19) VCF-style: chr5-112136411-G-T.
Other names: c.730-565G>T (NM_001354895.2, NM_001127510.3, NM_001354896.2 and 1 more transcripts); c.760-565G>T (NM_001354897.2, NM_001354902.2); c.676-565G>T (NM_001127511.3); c.655-565G>T (NM_001354898.2, NM_001354904.2); c.-306-565G>T (NM_001354906.2); c.646-565G>T (NM_001354899.2); c.553-565G>T (NM_001354900.2, NM_001354901.2, NM_001354905.2).
Identifiers: ClinVar variation 83038 (VCV000083038.2), dbSNP rs74939183, ClinGen allele CA013605.